The following is an entry in ClinVar:

ClinVar aggregate classification (germline): Uncertain significance (1 of 4 stars; one submission).

Conditions:
Catecholaminergic polymorphic ventricular tachycardia (CVPT). Also called: Catecholamine-induced polymorphic ventricular tachycardia. Identifiers: Orphanet 3286, MedGen C5574922, MONDO:0017990.

Allele frequency attached by ClinVar (database versions not stated): gnomAD exomes below 0.00001; TOPMed below 0.00001; gnomAD 0.00001.
gnomAD v4.1: 3 of 1,613,812 alleles (0.00019%); highest among the groups gnomAD compares: Non-Finnish European, 0.00025%; no homozygotes.

Submission:

All of Us Research Program, National Institutes of Health
Classification: Uncertain significance for Catecholaminergic polymorphic ventricular tachycardia. Last evaluated: 2023-03-04. Review status: criteria provided, single submitter. Criteria: ACMG Guidelines, 2015. Collection method: clinical testing. Allele origin: germline. Inheritance: Autosomal dominant inheritance. Observed: 1 variant allele, 1 heterozygote.
Comment: This study involves interpretation of variants in research participants for the purpose of population health screening. Participant phenotype was not available at the time of variant classification. Additional details can be found in publication PMID: 35346344, PMCID: PMC8962531

NM_001035.3(RYR2):c.6275A>G (p.Tyr2092Cys)

Gene: RYR2 (ryanodine receptor 2; plus strand). Cytogenetic location: 1q43.
Variant type: single nucleotide variant.
Coding change: c.6275A>G on transcript NM_001035.3 (MANE Select); coding-DNA position 6275, A replaced by G.
Protein change: p.Tyr2092Cys; replaces tyrosine 2092 with cysteine.
Molecular consequence: missense variant.
Genome position (GRCh38, 1-based): chr1:237,627,915, A>G. VCF-style: chr1-237627915-A-G. GRCh37 (hg19) VCF-style: chr1-237791215-A-G.
Other names: short protein forms Y2092C.
Identifiers: ClinVar variation 3069434 (VCV003069434.1), dbSNP rs1490741313, ClinGen allele CA345410954.